The following is an entry in ClinVar:

ClinVar aggregate classification (germline): Uncertain significance (1 of 4 stars; one submission).

Submission:

Labcorp Genetics (formerly Invitae), Labcorp
Classification: Uncertain significance. Last evaluated: 2023-08-17. Review status: criteria provided, single submitter. Criteria: Invitae Variant Classification Sherloc (09022015). Collection method: clinical testing. Allele origin: germline.
Comment: This sequence change replaces alanine, which is neutral and non-polar, with valine, which is neutral and non-polar, at codon 194 of the FGF14 protein (p.Ala194Val). This variant is not present in population databases (gnomAD no frequency). This variant has not been reported in the literature in individuals affected with FGF14-related conditions. ClinVar contains an entry for this variant (Variation ID: 2132844). Advanced modeling of protein sequence and biophysical properties (such as structural, functional, and spatial information, amino acid conservation, physicochemical variation, residue mobility, and thermodynamic stability) performed at Invitae indicates that this missense variant is not expected to disrupt FGF14 protein function. In summary, the available evidence is currently insufficient to determine the role of this variant in disease. Therefore, it has been classified as a Variant of Uncertain Significance.

NM_004115.4(FGF14):c.581C>T (p.Ala194Val)

Gene: FGF14 (fibroblast growth factor 14; minus strand). Cytogenetic location: 13q33.1.
Variant type: single nucleotide variant.
Coding change: c.581C>T on transcript NM_004115.4 (MANE Select); coding-DNA position 581, C replaced by T.
Protein change: p.Ala194Val; replaces alanine 194 with valine.
Molecular consequence: missense variant.
Genome position (GRCh38, 1-based): chr13:101,726,638, G>A on the plus strand (C>T on the coding strand, the complement: FGF14 is on the minus strand). VCF-style: chr13-101726638-G-A. GRCh37 (hg19) VCF-style: chr13-102378988-G-A.
Other names: c.329C>T, p.Ala110Val (NM_001321931.1, NM_001321934.1, NM_001321935.1 and 4 more transcripts); c.392C>T, p.Ala131Val (NM_001321932.1, NM_001321936.1, NM_001321944.1); c.401C>T, p.Ala134Val (NM_001321933.1, NM_001321938.2, NM_001321940.1); c.485C>T, p.Ala162Val (NM_001321939.2); c.395C>T, p.Ala132Val (NM_001321941.2); c.596C>T, p.Ala199Val (NM_175929.3); c.479C>T, p.Ala160Val (NM_001321945.2, NM_001321948.2, NM_001379342.1); c.440C>T, p.Ala147Val (NM_001321947.2); short protein forms A131V, A194V, A110V, A147V, A162V, A132V, A134V, A160V.
Identifiers: ClinVar variation 2132844 (VCV002132844.4), dbSNP rs2548901008, ClinGen allele CA388711030.